The following is an entry in ClinVar:

ClinVar aggregate classification (germline): Uncertain significance (1 of 4 stars; one submission).

Submission:

Ambry Genetics
Classification: Uncertain significance. Last evaluated: 2023-02-17. Review status: criteria provided, single submitter. Criteria: Ambry Variant Classification Scheme 2023. Collection method: clinical testing. Allele origin: germline.
Comment: The p.K44M variant (also known as c.131A>T), located in coding exon 2 of the KIF1B gene, results from an A to T substitution at nucleotide position 131. The lysine at codon 44 is replaced by methionine, an amino acid with similar properties. This amino acid position is conserved. In addition, the in silico prediction for this alteration is inconclusive. Since supporting evidence is limited at this time, the clinical significance of this alteration remains unclear.

NM_001365951.3(KIF1B):c.131A>T (p.Lys44Met)

Gene: KIF1B (kinesin family member 1B; plus strand). Cytogenetic location: 1p36.22.
Variant type: single nucleotide variant.
Coding change: c.131A>T on transcript NM_001365951.3 (MANE Select); coding-DNA position 131, A replaced by T.
Protein change: p.Lys44Met; replaces lysine 44 with methionine.
Molecular consequence: missense variant.
Genome position (GRCh38, 1-based): chr1:10,256,271, A>T. VCF-style: chr1-10256271-A-T. GRCh37 (hg19) VCF-style: chr1-10316329-A-T.
Other names: c.131A>T, p.Lys44Met (NM_001365952.1, NM_001365953.1, NM_015074.3 and 1 more transcripts); short protein forms K44M.
Identifiers: ClinVar variation 2448778 (VCV002448778.2), dbSNP rs2523454146, ClinGen allele CA338322941.
Genomic context (GRCh38, chr1:10,256,271, plus strand): 5'-GAGTGACTTATAAAATGAAACATTTTTATCTTCTAGGTATTATTAACCCAAAGAATCCAA[A>T]GGAAGCTCCAAAGTCCTTCAGCTTCGACTATTCCTACTGGTCTCATACCTCAGTGAGTAC-3'
Protein context (NP_001352880.1, residues 34-54): STSIINPKNP[Lys44Met]EAPKSFSFDY